The following is an entry in ClinVar:

NM_001127898.4(CLCN5):c.2006C>T (p.Thr669Ile)

Genes: CLCN5 (Cl-/H+ antiporter 5; plus strand), LOC126863258 (BRD4-independent group 4 enhancer GRCh37_chrX:49854497-49855696; plus strand). Cytogenetic location: Xp11.23.
Variant type: single nucleotide variant.
Coding change: c.2006C>T on transcript NM_001127898.4 (MANE Select); coding-DNA position 2006, C replaced by T.
Protein change: p.Thr669Ile; replaces threonine 669 with isoleucine.
Molecular consequence: missense variant. On other transcripts: non-coding transcript variant (1).
Genome position (GRCh38, 1-based): chrX:50,090,377, C>T. VCF-style: chrX-50090377-C-T. GRCh37 (hg19) VCF-style: chrX-49855034-C-T.
Other names: c.1796C>T, p.Thr599Ile (NM_000084.5); c.2006C>T, p.Thr669Ile (NM_001127899.4); c.1856C>T, p.Thr619Ile (NM_001282163.2); c.2018C>T, p.Thr673Ile (NM_001440756.1, NM_001440757.1); short protein forms T599I, T669I, T673I, T619I.
Identifiers: ClinVar variation 4767710 (VCV004767710.1).

ClinVar aggregate classification (germline): Uncertain significance (1 of 4 stars; one submission).

gnomAD v4.1: 2 of 1,210,954 alleles (0.00017%); highest among the groups gnomAD compares: Middle Eastern, 0.023%; no homozygotes.

Submission:

Labcorp Genetics (formerly Invitae), Labcorp
Classification: Uncertain significance. Last evaluated: 2025-08-30. Review status: criteria provided, single submitter. Criteria: Invitae Variant Classification Sherloc (09022015). Collection method: clinical testing. Allele origin: germline.
Comment: This sequence change replaces threonine, which is neutral and polar, with isoleucine, which is neutral and non-polar, at codon 599 of the CLCN5 protein (p.Thr599Ile). This variant is not present in population databases (gnomAD no frequency). This variant has not been reported in the literature in individuals affected with CLCN5-related conditions. Invitae Evidence Modeling of protein sequence and biophysical properties (such as structural, functional, and spatial information, amino acid conservation, physicochemical variation, residue mobility, and thermodynamic stability) indicates that this missense variant is not expected to disrupt CLCN5 protein function with a negative predictive value of 80%. In summary, the available evidence is currently insufficient to determine the role of this variant in disease. Therefore, it has been classified as a Variant of Uncertain Significance.